The following is an entry in ClinVar:

ClinVar aggregate classification (germline): Uncertain significance (1 of 4 stars; one submission).

Conditions:
Glycogen storage disease IXb (GSD9B). Also called: PHOSPHORYLASE KINASE DEFICIENCY OF LIVER AND MUSCLE, AUTOSOMAL RECESSIVE; GLYCOGENOSIS OF LIVER AND MUSCLE, AUTOSOMAL RECESSIVE; GSD IXb. Identifiers: Orphanet 79240, MedGen C0543514, MONDO:0009868, OMIM 261750.

Allele frequency attached by ClinVar (database versions not stated): TOPMed below 0.00001; gnomAD 0.00001.
gnomAD v4.1: 2 of 1,609,512 alleles (0.00012%); highest among the groups gnomAD compares: Non-Finnish European, 0.00017%; no homozygotes.

Submission:

Labcorp Genetics (formerly Invitae), Labcorp
Classification: Uncertain significance for Glycogen storage disease IXb. Last evaluated: 2023-07-27. Review status: criteria provided, single submitter. Criteria: Invitae Variant Classification Sherloc (09022015). Collection method: clinical testing. Allele origin: germline.
Comment: An algorithm developed to predict the effect of missense changes on protein structure and function (PolyPhen-2) suggests that this variant is likely to be disruptive. This sequence change replaces tyrosine, which is neutral and polar, with aspartic acid, which is acidic and polar, at codon 576 of the PHKB protein (p.Tyr576Asp). This variant is not present in population databases (gnomAD no frequency). This variant has not been reported in the literature in individuals affected with PHKB-related conditions. In summary, the available evidence is currently insufficient to determine the role of this variant in disease. Therefore, it has been classified as a Variant of Uncertain Significance.

NM_000293.3(PHKB):c.1726T>G (p.Tyr576Asp)

Gene: PHKB (phosphorylase kinase regulatory subunit beta; plus strand). Cytogenetic location: 16q12.1.
Variant type: single nucleotide variant.
Coding change: c.1726T>G on transcript NM_000293.3 (MANE Select); coding-DNA position 1726, T replaced by G.
Protein change: p.Tyr576Asp; replaces tyrosine 576 with aspartic acid.
Molecular consequence: missense variant.
Genome position (GRCh38, 1-based): chr16:47,649,133, T>G. VCF-style: chr16-47649133-T-G. GRCh37 (hg19) VCF-style: chr16-47683044-T-G.
Other names: c.1705T>G, p.Tyr569Asp (NM_001031835.3); c.1726T>G, p.Tyr576Asp (NM_001363837.1); short protein forms Y569D, Y576D.
Identifiers: ClinVar variation 2907506 (VCV002907506.3), dbSNP rs1973188482, ClinGen allele CA395785935.